The following is an entry in ClinVar:

NM_003823.4(TNFRSF6B):c.814C>T (p.Leu272=)

Genes: RTEL1-TNFRSF6B (RTEL1-TNFRSF6B readthrough (NMD candidate); plus strand), TNFRSF6B (TNF receptor superfamily member 6b; plus strand). Cytogenetic location: 20q13.33.
Variant type: single nucleotide variant.
Coding change: c.814C>T on transcript NM_003823.4 (MANE Select); coding-DNA position 814, C replaced by T.
Protein change: p.Leu272=; no amino-acid change (leucine 272 retained).
Molecular consequence: synonymous variant. On other transcripts: non-coding transcript variant (1).
Genome position (GRCh38, 1-based): chr20:63,698,474, C>T. VCF-style: chr20-63698474-C-T. GRCh37 (hg19) VCF-style: chr20-62329827-C-T.
Identifiers: ClinVar variation 2896211 (VCV002896211.5), dbSNP rs750208461, ClinGen allele CA317537187.

ClinVar aggregate classification (germline): Likely benign. Review status: criteria provided, single submitter (1 of 4 stars). 2 submissions from 2 submitters: Likely benign (1). 1 of the submissions does not count toward it. Last evaluated 2023-11-19.

Conditions:
TNFRSF6B-related disorder. Also called: TNFRSF6B-related condition.

gnomAD v4.1: 20 of 1,554,622 alleles (0.0013%); highest among the groups gnomAD compares: Admixed American, 0.019%; no homozygotes.

Submissions (2):

Labcorp Genetics (formerly Invitae), Labcorp
Classification: Likely benign. Last evaluated: 2023-11-19. Review status: criteria provided, single submitter. Criteria: Invitae Variant Classification Sherloc (09022015). Collection method: clinical testing. Allele origin: germline.

PreventionGenetics, part of Exact Sciences
Classification: Likely benign for TNFRSF6B-related condition. Last evaluated: 2022-12-30. Review status: no assertion criteria provided. Collection method: clinical testing. Allele origin: germline. Not counted in ClinVar's aggregate classification.
Comment: This variant is classified as likely benign based on ACMG/AMP sequence variant interpretation guidelines (Richards et al. 2015 PMID: 25741868, with internal and published modifications).